The following is an entry in ClinVar:

ClinVar aggregate classification (germline): Uncertain significance (1 of 4 stars; one submission).

Allele frequency attached by ClinVar (database versions not stated): gnomAD exomes below 0.00001; ExAC 0.00002.
gnomAD v4.1: 4 of 1,613,708 alleles (0.00025%); highest among the groups gnomAD compares: East Asian, 0.0022%; no homozygotes.

Submission:

Labcorp Genetics (formerly Invitae), Labcorp
Classification: Uncertain significance. Last evaluated: 2022-01-23. Review status: criteria provided, single submitter. Criteria: Invitae Variant Classification Sherloc (09022015). Collection method: clinical testing. Allele origin: germline.
Comment: This sequence change replaces serine, which is neutral and polar, with phenylalanine, which is neutral and non-polar, at codon 1722 of the SBF1 protein (p.Ser1722Phe). This variant is present in population databases (rs775409467, gnomAD 0.006%). This variant has not been reported in the literature in individuals affected with SBF1-related conditions. Algorithms developed to predict the effect of missense changes on protein structure and function are either unavailable or do not agree on the potential impact of this missense change (SIFT: "Tolerated"; PolyPhen-2: "Possibly Damaging"; Align-GVGD: "Class C0"). In summary, the available evidence is currently insufficient to determine the role of this variant in disease. Therefore, it has been classified as a Variant of Uncertain Significance.

NM_002972.4(SBF1):c.5165C>T (p.Ser1722Phe)

Gene: SBF1 (SET binding factor 1; minus strand). Cytogenetic location: 22q13.33.
Variant type: single nucleotide variant.
Coding change: c.5165C>T on transcript NM_002972.4 (MANE Select); coding-DNA position 5165, C replaced by T.
Protein change: p.Ser1722Phe; replaces serine 1722 with phenylalanine.
Molecular consequence: missense variant.
Genome position (GRCh38, 1-based): chr22:50,448,431, G>A on the plus strand (C>T on the coding strand, the complement: SBF1 is on the minus strand). VCF-style: chr22-50448431-G-A. GRCh37 (hg19) VCF-style: chr22-50886860-G-A.
Other names: c.5090C>T, p.Ser1697Phe (NM_001365819.1); c.5168C>T, p.Ser1723Phe (NM_001410794.1); c.5087C>T, p.Ser1696Phe (NM_001410795.1); c.5165C>T, p.Ser1722Phe (NM_197971.1); short protein forms S1696F, S1697F, S1722F, S1723F.
Identifiers: ClinVar variation 1947793 (VCV001947793.5), dbSNP rs775409467, ClinGen allele CA10315945.